The following is an entry in ClinVar:

ClinVar aggregate classification (germline): Conflicting classifications of pathogenicity. Review status: criteria provided, conflicting classifications (1 of 4 stars). 2 submissions from 2 submitters: Likely pathogenic (1); Uncertain significance (1). Last evaluated 2024-07-03.

Conditions:
Retinal disorder. Also called: Retinopathy; Retinopathies; Retinal Diseases; Retinal disorders. Identifiers: MedGen C0035309, MONDO:0005283, HP:0000488.

Submissions (2):

Labcorp Genetics (formerly Invitae), Labcorp
Classification: Uncertain significance. Last evaluated: 2024-07-03. Review status: criteria provided, single submitter. Criteria: Invitae Variant Classification Sherloc (09022015). Collection method: clinical testing. Allele origin: germline.
Comment: This sequence change replaces glycine, which is neutral and non-polar, with glutamic acid, which is acidic and polar, at codon 2849 of the USH2A protein (p.Gly2849Glu). This variant is not present in population databases (gnomAD no frequency). This variant has not been reported in the literature in individuals affected with USH2A-related conditions. ClinVar contains an entry for this variant (Variation ID: 2044733). Advanced modeling of protein sequence and biophysical properties (such as structural, functional, and spatial information, amino acid conservation, physicochemical variation, residue mobility, and thermodynamic stability) performed at Invitae indicates that this missense variant is expected to disrupt USH2A protein function with a positive predictive value of 95%. In summary, the available evidence is currently insufficient to determine the role of this variant in disease. Therefore, it has been classified as a Variant of Uncertain Significance.

AURAGEN, Plan France Médecine Génomique
Classification: Likely pathogenic for Retinal disorder. Last evaluated: 2022-01-24. Review status: criteria provided, single submitter. Criteria: PFMG2025 (Lancet Reg Health Eur. 2025). Collection method: clinical testing. Allele origin: germline. Affected: yes.

NM_206933.4(USH2A):c.8546G>A (p.Gly2849Glu)

Gene: USH2A (usherin; minus strand). Cytogenetic location: 1q41.
Variant type: single nucleotide variant.
Coding change: c.8546G>A on transcript NM_206933.4 (MANE Select); coding-DNA position 8546, G replaced by A.
Protein change: p.Gly2849Glu; replaces glycine 2849 with glutamic acid.
Molecular consequence: missense variant.
Genome position (GRCh38, 1-based): chr1:215,878,776, C>T on the plus strand (G>A on the coding strand, the complement: USH2A is on the minus strand). VCF-style: chr1-215878776-C-T. GRCh37 (hg19) VCF-style: chr1-216052118-C-T.
Other names: short protein forms G2849E.
Identifiers: ClinVar variation 2044733 (VCV002044733.5), dbSNP rs1064794034, ClinGen allele CA344830194.
Genomic context (GRCh38, chr1:215,878,776, plus strand): 5'-AGAGATAAGGACTACAGCAACATAAAAATCATAGTCACCTTCTCTTACCTCAAATTAGGT[C>T]CATTTGGCTTGGATGGTGGTTGCCAAGAAATCACAACATATGATTCACTTAGTGGAATCA-3'
Protein context (NP_996816.3, residues 2839-2859): ISWQPPSKPN[Gly2849Glu]PNLRYELLRR